The following is an entry in ClinVar:

NM_001013839.4(EXOC7):c.417+2T>G

Gene: EXOC7 (exocyst complex component 7; minus strand). Cytogenetic location: 17q25.1.
Variant type: single nucleotide variant.
Coding change: c.417+2T>G on transcript NM_001013839.4 (MANE Select); the canonical splice donor site of the intron after coding-DNA position 417, T replaced by G.
Molecular consequence: splice donor variant. On other transcripts: missense variant (1).
Genome position (GRCh38, 1-based): chr17:76,101,269, A>C on the plus strand (T>G on the coding strand, the complement: EXOC7 is on the minus strand). VCF-style: chr17-76101269-A-C. GRCh37 (hg19) VCF-style: chr17-74097350-A-C.
Other names: c.419T>G, p.Val140Gly (NM_001282314.2); c.417+2T>G (NM_015219.5, NM_001375975.1, NM_001145298.4 and 4 more transcripts); c.294+2T>G (NM_001282313.2); short protein forms V140G.
Identifiers: ClinVar variation 3846803 (VCV003846803.1).

ClinVar aggregate classification (germline): Uncertain significance (1 of 4 stars; one submission).

Conditions:
Inborn genetic diseases. Identifiers: MedGen C0950123, MeSH D030342.

Submission:

Ambry Genetics
Classification: Uncertain significance for Inborn genetic diseases. Last evaluated: 2025-01-21. Review status: criteria provided, single submitter. Criteria: Ambry Variant Classification Scheme 2023. Collection method: clinical testing. Allele origin: germline.
Comment: Resulting transcript is predicted to be in-frame and is not expected to trigger nonsense-mediated mRNA decay Based on insufficient or conflicting evidence, the clinical significance of this alteration remains unclear.